The following is an entry in ClinVar:

ClinVar aggregate classification (germline): Uncertain significance (1 of 4 stars; one submission).

Conditions:
Brachyolmia-amelogenesis imperfecta syndrome. Also called: PLATYSPONDYLY WITH AMELOGENESIS IMPERFECTA; Tooth agenesis, selective, 6; Dental anomalies and short stature. Identifiers: Orphanet 2899, MedGen C1832594, MONDO:0011018, OMIM 601216. Disease mechanism: loss of function.

Submission:

Labcorp Genetics (formerly Invitae), Labcorp
Classification: Uncertain significance for Brachyolmia-amelogenesis imperfecta syndrome. Last evaluated: 2026-01-08. Review status: criteria provided, single submitter. Criteria: Invitae Variant Classification Sherloc (09022015). Collection method: clinical testing. Allele origin: germline.
Comment: This sequence change replaces aspartic acid, which is acidic and polar, with valine, which is neutral and non-polar, at codon 1198 of the LTBP3 protein (p.Asp1198Val). This variant is not present in population databases (gnomAD no frequency). This variant has not been reported in the literature in individuals affected with LTBP3-related conditions. ClinVar contains an entry for this variant (Variation ID: 3682245). An algorithm developed to predict the effect of missense changes on protein structure and function (PolyPhen-2) suggests that this variant is likely to be disruptive. In summary, the available evidence is currently insufficient to determine the role of this variant in disease. Therefore, it has been classified as a Variant of Uncertain Significance.

NM_001130144.3(LTBP3):c.3593A>T (p.Asp1198Val)

Gene: LTBP3 (latent transforming growth factor beta binding protein 3; minus strand). Cytogenetic location: 11q13.1.
Variant type: single nucleotide variant.
Coding change: c.3593A>T on transcript NM_001130144.3 (MANE Select); coding-DNA position 3593, A replaced by T.
Protein change: p.Asp1198Val; replaces aspartic acid 1198 with valine.
Molecular consequence: missense variant.
Genome position (GRCh38, 1-based): chr11:65,539,583, T>A on the plus strand (A>T on the coding strand, the complement: LTBP3 is on the minus strand). VCF-style: chr11-65539583-T-A. GRCh37 (hg19) VCF-style: chr11-65307054-T-A.
Other names: c.3101A>T, p.Asp1034Val (NM_001164266.1); c.3452A>T, p.Asp1151Val (NM_021070.4); short protein forms D1034V, D1151V, D1198V.
Identifiers: ClinVar variation 3682245 (VCV003682245.2).